The following is an entry in ClinVar:

NM_001966.4(EHHADH):c.2099_2100insT (p.Lys700fs)

Gene: EHHADH (enoyl-CoA hydratase and 3-hydroxyacyl CoA dehydrogenase; minus strand). Cytogenetic location: 3q27.2.
Variant type: Insertion.
Coding change: c.2099_2100insT on transcript NM_001966.4 (MANE Select); coding-DNA positions 2099 to 2100, T inserted.
Protein change: p.Lys700fs; shifts the reading frame from lysine 700.
Molecular consequence: frameshift variant.
Genome position: GRCh38 VCF-style: chr3-185192298-T-TA. GRCh37 (hg19) VCF-style: chr3-184910086-T-TA.
Other names: c.1811_1812insT, p.Lys604fs (NM_001166415.2); short protein forms K700fs, K604fs.
Identifiers: ClinVar variation 4982387 (VCV004982387.1).

ClinVar aggregate classification (germline): Uncertain significance (1 of 4 stars; one submission).

Conditions:
EHHADH-related disorder. Also called: EHHADH-related condition.

Submission:

PreventionGenetics, part of Exact Sciences
Classification: Uncertain significance for EHHADH-related condition. Last evaluated: 2026-08-14. Review status: criteria provided, single submitter. Criteria: ACMG Guidelines, 2015. Collection method: clinical testing. Allele origin: germline.
Comment: The EHHADH c.2099_2100insT variant is predicted to result in a frameshift and premature protein termination (p.Lys700Asnfs*21). To our knowledge, this variant has not been reported in the literature. This variant is reported in 0.011% of alleles in individuals of African descent in gnomAD. Although we suspect that this variant may be benign, at this time, the clinical significance of this variant is uncertain due to the absence of conclusive functional and genetic evidence.